The following is an entry in ClinVar:

ClinVar aggregate classification (germline): Benign (1 of 4 stars; one submission).

Allele frequency attached by ClinVar (database versions not stated): gnomAD 0.06646 and 0.06705; TOPMed 0.07254; 1000 Genomes Project 0.10643; 1000 Genomes Project 30x 0.10759.
gnomAD v4.1: 10,158 of 152,302 alleles (6.7%); highest among the groups gnomAD compares: East Asian, 19%; 463 homozygotes.

Submissions (11):

GeneDx
Classification: Benign. Last evaluated: 2018-06-16. Review status: criteria provided, single submitter. Criteria: GeneDx Variant Classification (06012015). Collection method: clinical testing. Allele origin: germline. Affected: yes.
Comment: This variant is considered likely benign or benign based on one or more of the following criteria: it is a conservative change, it occurs at a poorly conserved position in the protein, it is predicted to be benign by multiple in silico algorithms, and/or has population frequency not consistent with disease.

Dr. Peter K. Rogan Lab, Western University
No classification provided (evidence only). Condition: Acute myeloid leukemia. Review status: no classification provided. Collection method: in vitro. Allele origin: not applicable. Functional consequence: retained intron. Not counted in ClinVar's aggregate classification.

Dr. Peter K. Rogan Lab, Western University
No classification provided (evidence only). Condition: Sarcoma. Review status: no classification provided. Collection method: in vitro. Allele origin: not applicable. Functional consequence: retained intron. Not counted in ClinVar's aggregate classification.

Dr. Peter K. Rogan Lab, Western University
No classification provided (evidence only). Condition: Thymoma. Review status: no classification provided. Collection method: in vitro. Allele origin: not applicable. Functional consequence: retained intron. Not counted in ClinVar's aggregate classification.

Dr. Peter K. Rogan Lab, Western University
No classification provided (evidence only). Condition: Ovarian serous cystadenocarcinoma. Review status: no classification provided. Collection method: in vitro. Allele origin: not applicable. Functional consequence: retained intron. Not counted in ClinVar's aggregate classification.

Dr. Peter K. Rogan Lab, Western University
No classification provided (evidence only). Condition: Ovarian serous cystadenocarcinoma. Review status: no classification provided. Collection method: in vitro. Allele origin: not applicable. Functional consequence: retained intron. Not counted in ClinVar's aggregate classification.

Dr. Peter K. Rogan Lab, Western University
No classification provided (evidence only). Condition: Ovarian serous cystadenocarcinoma. Review status: no classification provided. Collection method: in vitro. Allele origin: not applicable. Functional consequence: retained intron. Not counted in ClinVar's aggregate classification.

Dr. Peter K. Rogan Lab, Western University
No classification provided (evidence only). Condition: Malignant tumor of esophagus. Review status: no classification provided. Collection method: in vitro. Allele origin: not applicable. Functional consequence: retained intron. Not counted in ClinVar's aggregate classification.

Dr. Peter K. Rogan Lab, Western University
No classification provided (evidence only). Condition: Malignant tumor of esophagus. Review status: no classification provided. Collection method: in vitro. Allele origin: not applicable. Functional consequence: retained intron. Not counted in ClinVar's aggregate classification.

Dr. Peter K. Rogan Lab, Western University
No classification provided (evidence only). Condition: Malignant tumor of esophagus. Review status: no classification provided. Collection method: in vitro. Allele origin: not applicable. Functional consequence: retained intron. Not counted in ClinVar's aggregate classification.

Dr. Peter K. Rogan Lab, Western University
No classification provided (evidence only). Condition: Malignant tumor of esophagus. Review status: no classification provided. Collection method: in vitro. Allele origin: not applicable. Functional consequence: retained intron. Not counted in ClinVar's aggregate classification.

NM_012123.4(MTO1):c.1918-228A>G

Gene: MTO1 (mitochondrial tRNA translation optimization 1; plus strand). Cytogenetic location: 6q13.
Variant type: single nucleotide variant.
Coding change: c.1918-228A>G on transcript NM_012123.4 (MANE Select); 228 bases into the intron before coding-DNA position 1918, A replaced by G.
Molecular consequence: intron variant.
Genome position (GRCh38, 1-based): chr6:73,500,346, A>G. VCF-style: chr6-73500346-A-G. GRCh37 (hg19) VCF-style: chr6-74210069-A-G.
Other names: NC_000006.11:g.74210069A>G; c.1993-228A>G (NM_133645.3); c.2038-228A>G (NM_001123226.2).
Identifiers: ClinVar variation 678575 (VCV000678575.2), dbSNP rs6917928, ClinGen allele CA140932509.